The following is an entry in ClinVar:

ClinVar aggregate classification (germline): Conflicting classifications of pathogenicity. Review status: criteria provided, conflicting classifications (1 of 4 stars). 3 submissions from 3 submitters: Pathogenic (1); Uncertain significance (1). 1 of the submissions does not count toward it. Last evaluated 2026-03-16.

Conditions:
POMC-related disorder. Also called: POMC-related condition; POMC-related disorders.
Inborn genetic diseases. Identifiers: MedGen C0950123, MeSH D030342.

Submissions (3):

Ambry Genetics
Classification: Pathogenic for Inborn genetic diseases. Last evaluated: 2026-03-16. Review status: criteria provided, single submitter. Criteria: Ambry Variant Classification Scheme 2023. Collection method: clinical testing. Allele origin: germline.
Comment: The c.20_21insGGGCCCTCGGGGGCCCCTCGGGTGG (p.S7Rfs*120) alteration, located in exon 3 (coding exon 1) of the POMC gene, consists of an insertion of 25 nucleotides at position 20, causing a translational frameshift with a predicted alternate stop codon after 120 amino acids. This variant is not expected to trigger nonsense-mediated mRNA decay and impacts 97% of the protein. Premature stop codons are typically deleterious in nature and a significant portion of the protein is affected (Ambry internal data). Based on data from gnomAD, the c.20_21insGGGCCCTCGGGGGCCCCTCGGGTGG allele has an overall frequency of 0.002% (5/251020) total alleles studied. The highest observed frequency was 0.015% (5/34586) of Latino alleles. This variant has been identified in the homozygous state in individual(s) with features consistent with POMC deficiency (Hilado, 2018). Based on the available evidence, this alteration is classified as pathogenic.

GeneDx
Classification: Uncertain significance. Last evaluated: 2026-01-23. Review status: criteria provided, single submitter. Criteria: GeneDx Variant Classification Process June 2021. Collection method: clinical testing. Allele origin: germline.
Comment: Frameshift variant predicted to result in abnormal protein length as the last 261 amino acid(s) are replaced with 119 different amino acid(s), and other similar variants have been reported in HGMD; This variant is associated with the following publications: (PMID: 29858905)

PreventionGenetics, part of Exact Sciences
Classification: Likely pathogenic for POMC-related condition. Last evaluated: 2024-07-07. Review status: no assertion criteria provided. Collection method: clinical testing. Allele origin: germline. Not counted in ClinVar's aggregate classification.
Comment: The POMC c.20_21insGGGCCCTCGGGGGCCCCTCGGGTGG variant is predicted to result in a frameshift and premature protein termination (p.Ser7Argfs*120). This variant was reported in the homozygous state in an individual with obesity, ACTH deficiency, hypothyroidism, language delay, and motor delays (Hilado and Randhawa. 2018. PubMed ID: 29858905). This variant has also been reported in the homozygous state in one individual with epilepsy (Helbig et al. 2016. PubMed ID: 26795593). This variant is reported in 0.014% of alleles in individuals of Latino descent in gnomAD. Frameshift variants in POMC are expected to be pathogenic. This variant is interpreted as likely pathogenic.

Literature cited by the submitters: PubMed 29858905 (cited by Ambry Genetics).

NM_000939.4(POMC):c.20_21insGGGCCCTCGGGGGCCCCTCGGGTGG (p.Ser7fs)

Gene: POMC (proopiomelanocortin; minus strand). Cytogenetic location: 2p23.3.
Variant type: Insertion.
Coding change: c.20_21insGGGCCCTCGGGGGCCCCTCGGGTGG on transcript NM_000939.4 (MANE Select); coding-DNA positions 20 to 21, GGGCCCTCGGGGGCCCCTCGGGTGG inserted.
Protein change: p.Ser7fs; shifts the reading frame from serine 7.
Molecular consequence: frameshift variant.
Genome position: GRCh38 VCF-style: chr2-25164752-G-GCCACCCGAGGGGCCCCCGAGGGCCC. GRCh37 (hg19) VCF-style: chr2-25387621-G-GCCACCCGAGGGGCCCCCGAGGGCCC.
Other names: c.20_21insGGGCCCTCGGGGGCCCCTCGGGTGG (NM_000939.3); c.20_21insGGGCCCTCGGGGGCCCCTCGGGTGG, p.Ser7fs (NM_001035256.3, NM_001319204.2, NM_001319205.2); short protein forms S7fs.
Identifiers: ClinVar variation 520619 (VCV000520619.8), dbSNP rs746815510, ClinGen allele CA1555422.